The following is an entry in ClinVar:

NM_001378454.1(ALMS1):c.3152del (p.Pro1051fs)

Gene: ALMS1 (ALMS1 centrosome and basal body associated protein; plus strand). Cytogenetic location: 2p13.1.
Variant type: Deletion.
Coding change: c.3152del on transcript NM_001378454.1 (MANE Select); coding-DNA position 3152, one base deleted (C; older notation c.3152delC).
Protein change: p.Pro1051fs; shifts the reading frame from proline 1051.
Molecular consequence: frameshift variant.
Genome position (GRCh38, 1-based): chr2:73,449,679, C deleted; the last of 3 consecutive C bases (chr2:73,449,677-73,449,679); deleting any one gives the same sequence. VCF-style (leftmost placement, unchanged base first): chr2-73449676-AC-A. GRCh37 (hg19) VCF-style: chr2-73676803-AC-A.
Other names: c.3155del, p.Pro1052fs (NM_015120.4); short protein forms P1051fs, P1052fs.
Identifiers: ClinVar variation 4880541 (VCV004880541.2).

ClinVar aggregate classification (germline): Likely pathogenic (1 of 4 stars; one submission).

Submission:

Dasa
Classification: Likely pathogenic. Last evaluated: 2025-07-28. Review status: criteria provided, single submitter. Criteria: DASA Assertion Criteria. Collection method: clinical testing. Allele origin: germline.
Comment: NM_001378454.1(ALMS1):c.3152del (p.Pro1051Hisfs*24) is a frameshift variant in ALMS1 predicted to alter the reading frame and introduce a premature termination codon and is predicted to result in an absent or altered protein product. Loss of function is an established disease mechanism for ALMS1-associated disorders. Also, this variant is absent from population databases. Based on the currently available evidence, this variant is classified as likely pathogenic.